The following is an entry in ClinVar:

NM_003072.5(SMARCA4):c.160C>T (p.His54Tyr)

Gene: SMARCA4 (SWI/SNF related BAF chromatin remodeling complex subunit ATPase 4; plus strand). Cytogenetic location: 19p13.2.
Variant type: single nucleotide variant.
Coding change: c.160C>T on transcript NM_003072.5 (MANE Select); coding-DNA position 160, C replaced by T.
Protein change: p.His54Tyr; replaces histidine 54 with tyrosine.
Molecular consequence: missense variant. On other transcripts: non-coding transcript variant (1).
Genome position (GRCh38, 1-based): chr19:10,984,311, C>T. VCF-style: chr19-10984311-C-T. GRCh37 (hg19) VCF-style: chr19-11094987-C-T.
Other names: c.160C>T, p.His54Tyr (NM_001128844.3, NM_001128845.2, NM_001128846.2 and 6 more transcripts); short protein forms H54Y.
Identifiers: ClinVar variation 3233073 (VCV003233073.1), dbSNP rs2145725135, ClinGen allele CA404054505.

ClinVar aggregate classification (germline): Uncertain significance (1 of 4 stars; one submission).

Conditions:
Hereditary cancer-predisposing syndrome. Also called: Neoplastic Syndromes, Hereditary; Tumor predisposition; Hereditary neoplastic syndrome; Hereditary Cancer Syndrome. Identifiers: Orphanet 140162, MedGen C0027672, MeSH D009386, MONDO:0015356.

Submission:

Ambry Genetics
Classification: Uncertain significance for Hereditary cancer-predisposing syndrome. Last evaluated: 2023-11-22. Review status: criteria provided, single submitter. Criteria: Ambry Variant Classification Scheme 2023. Collection method: clinical testing. Allele origin: germline.
Comment: The p.H54Y variant (also known as c.160C>T), located in coding exon 1 of the SMARCA4 gene, results from a C to T substitution at nucleotide position 160. The histidine at codon 54 is replaced by tyrosine, an amino acid with similar properties. This amino acid position is highly conserved in available vertebrate species. In addition, the in silico prediction for this alteration is inconclusive. Missense and in-frame variants in SMARCA4 are known to cause neurodevelopmental disorders; however, such associations with rhabdoid tumor predisposition syndrome including small cell carcinoma of the ovary-hypercalcemic type (SCCOHT) are exceedingly rare (Kosho T et al. Am J Med Genet C Semin Med Genet. 2014 Sep;166C(3):262-75; Jelinic P et al. Nat Genet. 2014 May;46(5):424-6). Since supporting evidence is limited at this time, the clinical significance of this alteration remains unclear.